The following is an entry in ClinVar:

NM_022455.5(NSD1):c.5766C>T (p.Pro1922=)

Gene: NSD1 (nuclear receptor binding SET domain protein 1; plus strand). Cytogenetic location: 5q35.3.
Variant type: single nucleotide variant.
Coding change: c.5766C>T on transcript NM_022455.5 (MANE Select); coding-DNA position 5766, C replaced by T.
Protein change: p.Pro1922=; no amino-acid change (proline 1922 retained).
Molecular consequence: synonymous variant.
Genome position (GRCh38, 1-based): chr5:177,280,708, C>T. VCF-style: chr5-177280708-C-T. GRCh37 (hg19) VCF-style: chr5-176707709-C-T.
Other names: c.4893C>T, p.Pro1631= (NM_001365684.2, NM_001409308.1, NM_001409309.1 and 1 more transcripts); c.5766C>T, p.Pro1922= (NM_001409301.1, NM_001409302.1, NM_001409303.1); c.5346C>T, p.Pro1782= (NM_001409304.1); c.5013C>T, p.Pro1671= (NM_001409305.1); c.5004C>T, p.Pro1668= (NM_001409306.1, NM_001409307.1).
Identifiers: ClinVar variation 3032491 (VCV003032491.2), dbSNP rs1758800817, ClinGen allele CA447961315.

ClinVar aggregate classification (germline): Likely benign (0 of 4 stars; one submission).

Conditions:
NSD1-related disorder. Also called: NSD1-related condition.

Allele frequency attached by ClinVar (database versions not stated): TOPMed 0.00001.
gnomAD v4.1: 1 of 1,614,256 alleles (0.000062%); no homozygotes.

Submission:

PreventionGenetics, part of Exact Sciences
Classification: Likely benign for NSD1-related condition. Last evaluated: 2020-12-07. Review status: no assertion criteria provided. Collection method: clinical testing. Allele origin: germline.
Comment: This variant is classified as likely benign based on ACMG/AMP sequence variant interpretation guidelines (Richards et al. 2015 PMID: 25741868, with internal and published modifications).